The following is an entry in ClinVar:

ClinVar aggregate classification (germline): Uncertain significance (1 of 4 stars; one submission).

Conditions:
Ellis-van Creveld syndrome (EVC). Also called: EVC-Related Ellis-van Creveld Syndrome; EVC2-Related Ellis-van Creveld Syndrome; MESOECTODERMAL DYSPLASIA; Chondroectodermal dysplasia. Identifiers: Orphanet 289, MedGen C0013903, MONDO:0009162, OMIM 225500.
Curry-Hall syndrome (WAD). Also called: WEYERS ACRODENTAL DYSOSTOSIS. Identifiers: Orphanet 952, MedGen C0457013, MONDO:0008673, OMIM 193530.

Submission:

Labcorp Genetics (formerly Invitae), Labcorp
Classification: Uncertain significance for Curry-Hall syndrome; Ellis-van Creveld syndrome. Last evaluated: 2024-01-13. Review status: criteria provided, single submitter. Criteria: Invitae Variant Classification Sherloc (09022015). Collection method: clinical testing. Allele origin: germline.
Comment: This sequence change creates a premature translational stop signal (p.Ala1260Glnfs*7) in the EVC2 gene. While this is not anticipated to result in nonsense mediated decay, it is expected to disrupt the last 49 amino acid(s) of the EVC2 protein. This variant is not present in population databases (gnomAD no frequency). This premature translational stop signal has been observed in individual(s) with clinical features of autosomal dominant EVC2-related conditions (Invitae). It has also been observed to segregate with disease in related individuals. ClinVar contains an entry for this variant (Variation ID: 2025692). In summary, the available evidence is currently insufficient to determine the role of this variant in disease. Therefore, it has been classified as a Variant of Uncertain Significance.

NM_147127.5(EVC2):c.3778del (p.Ala1260fs)

Gene: EVC2 (EvC ciliary complex subunit 2; minus strand). Cytogenetic location: 4p16.2.
Variant type: Deletion.
Coding change: c.3778del on transcript NM_147127.5 (MANE Select); coding-DNA position 3778, one base deleted (G; older notation c.3778delG).
Protein change: p.Ala1260fs; shifts the reading frame from alanine 1260.
Molecular consequence: frameshift variant.
Genome position (GRCh38, 1-based): chr4:5,562,997, C deleted on the plus strand (G on the coding strand, the reverse complement: EVC2 is on the minus strand); the first of 4 consecutive C bases (chr4:5,562,997-5,563,000); deleting any one gives the same sequence. VCF-style (leftmost placement, unchanged base first): chr4-5562996-GC-G. GRCh37 (hg19) VCF-style: chr4-5564723-GC-G.
Other names: c.3538del, p.Ala1180fs (NM_001166136.2); short protein forms A1180fs, A1260fs.
Identifiers: ClinVar variation 2025692 (VCV002025692.4), dbSNP rs2475165814, ClinGen allele CA2580070737.